The following is an entry in ClinVar:

NC_000017.10:g.(?_79503152)_(79504106_?)del

Gene: FSCN2 (fascin actin-bundling protein 2, retinal; plus strand). Cytogenetic location: 17q25.3.
Variant type: Deletion.
Identifiers: ClinVar variation 2423596 (VCV002423596.4).

ClinVar aggregate classification (germline): Uncertain significance (1 of 4 stars; one submission).

Submission:

Labcorp Genetics (formerly Invitae), Labcorp
Classification: Uncertain significance. Last evaluated: 2022-07-03. Review status: criteria provided, single submitter. Criteria: Invitae Variant Classification Sherloc (09022015). Collection method: clinical testing. Allele origin: germline.
Comment: In summary, the available evidence is currently insufficient to determine the role of this variant in disease. Therefore, it has been classified as a Variant of Uncertain Significance. Experimental studies and prediction algorithms are not available or were not evaluated, and the functional significance of this variant is currently unknown. This variant has not been reported in the literature in individuals affected with FSCN2-related conditions. This variant is a gross deletion of the genomic region encompassing exon(s) 3-5 of the FSCN2 gene, which includes the termination codon. This deletion extends beyond the assayed region for this gene and therefore may encompass additional genes. While this deletion is not anticipated to lead to nonsense mediated decay, it is expected to alter mRNA translation or result in a truncated protein product.